The following is an entry in ClinVar:

NM_020297.4(ABCC9):c.1657G>T (p.Ala553Ser)

Gene: ABCC9 (ATP binding cassette subfamily C member 9; minus strand). Cytogenetic location: 12p12.1.
Variant type: single nucleotide variant.
Coding change: c.1657G>T on transcript NM_020297.4 (MANE Select); coding-DNA position 1657, G replaced by T.
Protein change: p.Ala553Ser; replaces alanine 553 with serine.
Molecular consequence: missense variant.
Genome position (GRCh38, 1-based): chr12:21,895,277, C>A on the plus strand (G>T on the coding strand, the complement: ABCC9 is on the minus strand). VCF-style: chr12-21895277-C-A. GRCh37 (hg19) VCF-style: chr12-22048211-C-A.
Other names: c.1657G>T, p.Ala553Ser (NM_001377273.1, NM_005691.4); c.793G>T, p.Ala265Ser (NM_001377274.1); c.1657G>T (NM_005691.2); short protein forms A265S, A553S.
Identifiers: ClinVar variation 1421599 (VCV001421599.9), dbSNP rs2137747839, ClinGen allele CA384137659.

ClinVar aggregate classification (germline): Uncertain significance. Review status: criteria provided, multiple submitters, no conflicts (2 of 4 stars). 4 submissions from 4 submitters: Uncertain significance (4). Last evaluated 2025-12-08.

Conditions:
Hypertrichotic osteochondrodysplasia Cantu type. Also called: Cantu Syndrome; Cantú Syndrome. Identifiers: Orphanet 1517, MedGen C0795905, MONDO:0009406, OMIM 239850.
Dilated cardiomyopathy 1O (CMD1O). Also called: CARDIOMYOPATHY, DILATED, WITH VENTRICULAR TACHYCARDIA. Identifiers: Orphanet 154, MedGen C1837839, MONDO:0012062, OMIM 608569.
Intellectual disability and myopathy syndrome (IDMYS). Identifiers: MedGen C5676904, MONDO:0859224, OMIM 619719.
Atrial fibrillation, familial, 12 (ATFB12). Identifiers: MedGen C3279695, MONDO:0013545, OMIM 614050.
Cardiovascular phenotype. Identifiers: MedGen CN230736.

Allele frequency attached by ClinVar (database versions not stated): gnomAD exomes 0.00001.
gnomAD v4.1: 11 of 1,613,308 alleles (0.00068%); highest among the groups gnomAD compares: Non-Finnish European, 0.00085%; no homozygotes.

Submissions (4):

Labcorp Genetics (formerly Invitae), Labcorp
Classification: Uncertain significance for Dilated cardiomyopathy 1O. Last evaluated: 2025-12-08. Review status: criteria provided, single submitter. Criteria: Invitae Variant Classification Sherloc (09022015). Collection method: clinical testing. Allele origin: germline.
Comment: This sequence change replaces alanine, which is neutral and non-polar, with serine, which is neutral and polar, at codon 553 of the ABCC9 protein (p.Ala553Ser). This variant is not present in population databases (gnomAD no frequency). This variant has not been reported in the literature in individuals affected with ABCC9-related conditions. ClinVar contains an entry for this variant (Variation ID: 1421599). An algorithm developed to predict the effect of missense changes on protein structure and function (PolyPhen-2) suggests that this variant is likely to be tolerated. In summary, the available evidence is currently insufficient to determine the role of this variant in disease. Therefore, it has been classified as a Variant of Uncertain Significance.

Ambry Genetics
Classification: Uncertain significance for Cardiovascular phenotype. Last evaluated: 2024-10-29. Review status: criteria provided, single submitter. Criteria: Ambry Variant Classification Scheme 2023. Collection method: clinical testing. Allele origin: germline.
Comment: The p.A553S variant (also known as c.1657G>T), located in coding exon 11 of the ABCC9 gene, results from a G to T substitution at nucleotide position 1657. The alanine at codon 553 is replaced by serine, an amino acid with similar properties. This amino acid position is highly conserved in available vertebrate species. In addition, the in silico prediction for this alteration is inconclusive. Based on the available evidence, the clinical significance of this variant remains unclear.

Blueprint Genetics
Classification: Uncertain significance. Last evaluated: 2024-06-07. Review status: criteria provided, single submitter. Criteria: ACMG Guidelines, 2015. Collection method: clinical testing. Allele origin: germline.

Fulgent Genetics
Classification: Uncertain significance for Hypertrichotic osteochondrodysplasia Cantu type; Dilated cardiomyopathy 1O; Atrial fibrillation, familial, 12; Intellectual disability and myopathy syndrome. Last evaluated: 2021-09-06. Review status: criteria provided, single submitter. Criteria: ACMG Guidelines, 2015. Collection method: clinical testing. Allele origin: unknown.